The following is an entry in ClinVar:

NM_001277115.2(DNAH11):c.396G>T (p.Lys132Asn)

Gene: DNAH11 (dynein axonemal heavy chain 11; plus strand). Cytogenetic location: 7p15.3.
Variant type: single nucleotide variant.
Coding change: c.396G>T on transcript NM_001277115.2 (MANE Select); coding-DNA position 396, G replaced by T.
Protein change: p.Lys132Asn; replaces lysine 132 with asparagine.
Molecular consequence: missense variant.
Genome position (GRCh38, 1-based): chr7:21,545,050, G>T. VCF-style: chr7-21545050-G-T. GRCh37 (hg19) VCF-style: chr7-21584668-G-T.
Other names: c.396G>T, p.Lys132Asn (NM_003777.3); short protein forms K132N.
Identifiers: ClinVar variation 2168177 (VCV002168177.4), dbSNP rs548141180, ClinGen allele CA155059216.

ClinVar aggregate classification (germline): Uncertain significance (1 of 4 stars; one submission).

Conditions:
Primary ciliary dyskinesia. Also called: Ciliary dyskinesia. Identifiers: Orphanet 244, MedGen C0008780, MONDO:0016575, HP:0012265.

gnomAD v4.1: 5 of 1,600,672 alleles (0.00031%); highest among the groups gnomAD compares: African/African-American, 0.0027%; no homozygotes.

Submission:

Labcorp Genetics (formerly Invitae), Labcorp
Classification: Uncertain significance for Primary ciliary dyskinesia. Last evaluated: 2024-03-11. Review status: criteria provided, single submitter. Criteria: Invitae Variant Classification Sherloc (09022015). Collection method: clinical testing. Allele origin: germline.
Comment: This sequence change replaces lysine, which is basic and polar, with asparagine, which is neutral and polar, at codon 132 of the DNAH11 protein (p.Lys132Asn). This variant is not present in population databases (gnomAD no frequency). This variant has not been reported in the literature in individuals affected with DNAH11-related conditions. ClinVar contains an entry for this variant (Variation ID: 2168177). Advanced modeling of protein sequence and biophysical properties (such as structural, functional, and spatial information, amino acid conservation, physicochemical variation, residue mobility, and thermodynamic stability) performed at Invitae indicates that this missense variant is not expected to disrupt DNAH11 protein function with a negative predictive value of 95%. In summary, the available evidence is currently insufficient to determine the role of this variant in disease. Therefore, it has been classified as a Variant of Uncertain Significance.